The following is an entry in ClinVar:

NM_001267550.2(TTN):c.82864C>A (p.Pro27622Thr)

Genes: TTN (titin; minus strand), TTN-AS1 (TTN antisense RNA 1; plus strand). Cytogenetic location: 2q31.2.
Variant type: single nucleotide variant.
Coding change: c.82864C>A on transcript NM_001267550.2 (MANE Select); coding-DNA position 82864, C replaced by A.
Protein change: p.Pro27622Thr; replaces proline 27622 with threonine.
Molecular consequence: missense variant.
Genome position (GRCh38, 1-based): chr2:178,563,268, G>T on the plus strand (C>A on the coding strand, the complement: TTN is on the minus strand). VCF-style: chr2-178563268-G-T. GRCh37 (hg19) VCF-style: chr2-179427995-G-T.
Other names: p.P25981T:CCA>ACA; c.77941C>A, p.Pro25981Thr (NM_001256850.1); c.55669C>A, p.Pro18557Thr (NM_003319.4); c.75160C>A, p.Pro25054Thr (NM_133378.4); c.56044C>A, p.Pro18682Thr (NM_133432.3); c.56245C>A, p.Pro18749Thr (NM_133437.4); short protein forms P25981T, P27622T, P18557T, P25054T, P18682T, P18749T.
Identifiers: ClinVar variation 202916 (VCV000202916.5), dbSNP rs769189431, ClinGen allele CA310680.

ClinVar aggregate classification (germline): Uncertain significance. Review status: criteria provided, multiple submitters, no conflicts (2 of 4 stars). 3 submissions from 3 submitters: Uncertain significance (3). Last evaluated 2026-05-04.

Conditions:
TTN-related disorder. Also called: TTN-related condition; TTN-related disease; TTN-related disorders.
Cardiovascular phenotype. Identifiers: MedGen CN230736.

Allele frequency attached by ClinVar (database versions not stated): gnomAD exomes below 0.00001 and 0.00001; ExAC 0.00002; TOPMed 0.00005; gnomAD 0.00007 and 0.00008.
gnomAD v4.1: 16 of 1,613,524 alleles (0.00099%); highest among the groups gnomAD compares: African/African-American, 0.019%; no homozygotes.

Submissions (3):

PreventionGenetics, part of Exact Sciences
Classification: Uncertain significance for TTN-related condition. Last evaluated: 2026-05-04. Review status: criteria provided, single submitter. Criteria: ACMG Guidelines, 2015. Collection method: clinical testing. Allele origin: germline.
Comment: The TTN c.82864C>A variant is predicted to result in the amino acid substitution p.Pro27622Thr. To our knowledge, this variant has not been reported in the literature. This variant is reported in 0.012% of alleles in individuals of African descent in gnomAD. At this time, the clinical significance of this variant is uncertain due to the absence of conclusive functional and genetic evidence.

Ambry Genetics
Classification: Uncertain significance for Cardiovascular phenotype. Last evaluated: 2020-01-17. Review status: criteria provided, single submitter. Criteria: Ambry Variant Classification Scheme 2023. Collection method: clinical testing. Allele origin: germline.
Comment: The p.P18557T variant (also known as c.55669C>A), located in coding exon 153 of the TTN gene, results from a C to A substitution at nucleotide position 55669. The proline at codon 18557 is replaced by threonine, an amino acid with highly similar properties. This amino acid position is highly conserved in available vertebrate species. In addition, this alteration is predicted to be tolerated by in silico analysis. Since supporting evidence is limited at this time, the clinical significance of this alteration remains unclear.

GeneDx
Classification: Uncertain significance. Last evaluated: 2014-10-20. Review status: criteria provided, single submitter. Criteria: GeneDx Variant Classification (06012015). Collection method: clinical testing. Allele origin: germline. Affected: yes.
Comment: Missense variants in the TTN gene are considered 'unclassified' if they are not previously reported in the literature and do not have >1% frequency in the population to be considered a polymorphism. Research indicates that truncating mutations in the TTN gene are expected to account for approximately 25% of familial and 18% of sporadic idiopathic DCM; however, truncating variants in the TTN gene have been reported in approximately 3% of reported control alleles. There has been little investigation into non-truncating variants. (Herman D et al. Truncations of titin causing dilated cardiomyopathy. N Eng J Med 366:619-628, 2012) The variant is found in CARDIOMYOPATHY panel(s).